The following is an entry in ClinVar:

ClinVar aggregate classification (germline): Uncertain significance (1 of 4 stars; one submission).

Submission:

Labcorp Genetics (formerly Invitae), Labcorp
Classification: Uncertain significance. Last evaluated: 2026-01-12. Review status: criteria provided, single submitter. Criteria: Invitae Variant Classification Sherloc (09022015). Collection method: clinical testing. Allele origin: germline.
Comment: This sequence change replaces aspartic acid, which is acidic and polar, with tyrosine, which is neutral and polar, at codon 658 of the CHD4 protein (p.Asp658Tyr). This variant is not present in population databases (gnomAD no frequency). This variant has not been reported in the literature in individuals affected with CHD4-related conditions. Invitae Evidence Modeling of protein sequence and biophysical properties (such as structural, functional, and spatial information, amino acid conservation, physicochemical variation, residue mobility, and thermodynamic stability) indicates that this missense variant is expected to disrupt CHD4 protein function with a positive predictive value of 80%. In summary, the available evidence is currently insufficient to determine the role of this variant in disease. Therefore, it has been classified as a Variant of Uncertain Significance.

NM_001273.5(CHD4):c.1972G>T (p.Asp658Tyr)

Gene: CHD4 (chromodomain helicase DNA binding protein 4; minus strand). Cytogenetic location: 12p13.31.
Variant type: single nucleotide variant.
Coding change: c.1972G>T on transcript NM_001273.5 (MANE Select); coding-DNA position 1972, G replaced by T.
Protein change: p.Asp658Tyr; replaces aspartic acid 658 with tyrosine.
Molecular consequence: missense variant.
Genome position (GRCh38, 1-based): chr12:6,596,058, C>A on the plus strand (G>T on the coding strand, the complement: CHD4 is on the minus strand). VCF-style: chr12-6596058-C-A. GRCh37 (hg19) VCF-style: chr12-6705224-C-A.
Other names: c.1951G>T, p.Asp651Tyr (NM_001297553.2); c.1933G>T, p.Asp645Tyr (NM_001363606.2); short protein forms D645Y, D651Y, D658Y.
Identifiers: ClinVar variation 4776825 (VCV004776825.1).